The following is an entry in ClinVar:

ClinVar aggregate classification (germline): Likely benign. Review status: criteria provided, single submitter (1 of 4 stars). 2 submissions from 2 submitters: Likely benign (1). 1 of the submissions does not count toward it. Last evaluated 2022-09-07.

Conditions:
HERC2-related disorder. Also called: HERC2-related condition.

Allele frequency attached by ClinVar (database versions not stated): TOPMed 0.00001; ExAC 0.00002; gnomAD 0.00002; gnomAD exomes 0.00002.
gnomAD v4.1: 27 of 1,613,966 alleles (0.0017%); highest among the groups gnomAD compares: Non-Finnish European, 0.0019%; no homozygotes.

Submissions (2):

Blueprint Genetics
Classification: Likely benign. Last evaluated: 2022-09-07. Review status: criteria provided, single submitter. Criteria: ACMG Guidelines, 2015. Collection method: clinical testing. Allele origin: germline.

PreventionGenetics, part of Exact Sciences
Classification: Likely benign for HERC2-related condition. Last evaluated: 2019-03-01. Review status: no assertion criteria provided. Collection method: clinical testing. Allele origin: germline. Not counted in ClinVar's aggregate classification.
Comment: This variant is classified as likely benign based on ACMG/AMP sequence variant interpretation guidelines (Richards et al. 2015 PMID: 25741868, with internal and published modifications).

NM_004667.6(HERC2):c.11299+5A>G

Gene: HERC2 (HECT and RLD domain containing E3 ubiquitin protein ligase 2; minus strand). Cytogenetic location: 15q13.1.
Variant type: single nucleotide variant.
Coding change: c.11299+5A>G on transcript NM_004667.6 (MANE Select); 5 bases into the intron after coding-DNA position 11299, A replaced by G.
Molecular consequence: intron variant.
Genome position (GRCh38, 1-based): chr15:28,144,072, T>C on the plus strand (A>G on the coding strand, the complement: HERC2 is on the minus strand). VCF-style: chr15-28144072-T-C. GRCh37 (hg19) VCF-style: chr15-28389218-T-C.
Identifiers: ClinVar variation 3057659 (VCV003057659.3), dbSNP rs749881360, ClinGen allele CA7440604.
Genomic context (GRCh38, chr15:28,144,072, plus strand): 5'-GTATCAGAAGTCTGATGGTTTCTTCCAAGCAGGAAGACAGATGTAACTGTAATGGTGGCA[T>C]TTACCTAGGGCACTCAGCTGTGCACAAGCTGCCAGCGAGGCCGCAAGGCGAGGGACGATG-3'